The following is an entry in ClinVar:

NM_002350.4(LYN):c.447C>T (p.Ser149=)

Gene: LYN (LYN proto-oncogene, Src family tyrosine kinase; plus strand). Cytogenetic location: 8q12.1.
Variant type: single nucleotide variant.
Coding change: c.447C>T on transcript NM_002350.4 (MANE Select); coding-DNA position 447, C replaced by T.
Protein change: p.Ser149=; no amino-acid change (serine 149 retained).
Molecular consequence: synonymous variant.
Genome position (GRCh38, 1-based): chr8:55,950,744, C>T. VCF-style: chr8-55950744-C-T. GRCh37 (hg19) VCF-style: chr8-56863303-C-T.
Other names: c.384C>T, p.Ser128= (NM_001111097.3).
Identifiers: ClinVar variation 1640585 (VCV001640585.10), dbSNP rs147547470, ClinGen allele CA4754025.

ClinVar aggregate classification (germline): Benign/Likely benign. Review status: criteria provided, multiple submitters, no conflicts (2 of 4 stars). 2 submissions from 2 submitters: Benign (1); Likely benign (1). Last evaluated 2026-04-01.

Allele frequency attached by ClinVar (database versions not stated): ExAC 0.00044; gnomAD exomes 0.00045; 1000 Genomes Project 30x 0.00125; 1000 Genomes Project 0.00140; gnomAD 0.00155 and 0.00166; TOPMed 0.00168; ESP Exome Variant Server 0.00169.
gnomAD v4.1: 461 of 1,613,832 alleles (0.029%); highest among the groups gnomAD compares: African/African-American, 0.48%; 3 homozygotes.

Submissions (2):

CeGaT Center for Human Genetics Tuebingen
Classification: Likely benign. Last evaluated: 2026-04-01. Review status: criteria provided, single submitter. Criteria: CeGaT Center For Human Genetics Tuebingen Variant Classification Criteria Version 2. Collection method: clinical testing. Allele origin: germline. Affected: yes. Observed: 1 variant allele.
Comment: LYN: BP4, BP7

Labcorp Genetics (formerly Invitae), Labcorp
Classification: Benign. Last evaluated: 2026-01-26. Review status: criteria provided, single submitter. Criteria: Invitae Variant Classification Sherloc (09022015). Collection method: clinical testing. Allele origin: germline.